The following is an entry in ClinVar:

NM_004168.4(SDHA):c.456+3_456+4delinsCT

Gene: SDHA (succinate dehydrogenase complex flavoprotein subunit A; plus strand). Cytogenetic location: 5p15.33.
Variant type: Indel.
Coding change: c.456+3_456+4delinsCT on transcript NM_004168.4 (MANE Select); bases 3 to 4 of the intron after coding-DNA position 456, GA replaced by CT.
Molecular consequence: intron variant.
Genome position (GRCh38, 1-based): chr5:225,565-225,566, GA replaced by CT. VCF-style: chr5-225565-GA-CT. GRCh37 (hg19) VCF-style: chr5-225680-GA-CT.
Other names: c.456+3_456+4delGAinsCT (NM_004168.2); c.456+3_456+4delinsCT (NM_001330758.2); c.313-318_313-317delinsCT (NM_001294332.2).
Identifiers: ClinVar variation 853431 (VCV000853431.13), dbSNP rs1734966566, ClinGen allele CA916082675.

ClinVar aggregate classification (germline): Conflicting classifications of pathogenicity. Review status: criteria provided, conflicting classifications (1 of 4 stars). 3 submissions from 3 submitters: Likely pathogenic (2); Uncertain significance (1). Last evaluated 2025-11-12.

Conditions:
Mitochondrial complex II deficiency, nuclear type 1. Also called: SUCCINATE CoQ REDUCTASE DEFICIENCY. Identifiers: Orphanet 3208, MedGen C5700310, MONDO:0100294, OMIM 252011.
Pheochromocytoma/paraganglioma syndrome 5. Also called: Paragangliomas 5; SDHA-Related Hereditary Paraganglioma-Pheochromocytoma Syndrome. Identifiers: Orphanet 29072, MedGen C3279992, MONDO:0013602, OMIM 614165.
Hereditary cancer-predisposing syndrome. Also called: Neoplastic Syndromes, Hereditary; Hereditary neoplastic syndrome; Tumor predisposition; Hereditary Cancer Syndrome. Identifiers: Orphanet 140162, MedGen C0027672, MeSH D009386, MONDO:0015356.
Dilated cardiomyopathy 1GG (CMD1GG). Identifiers: Orphanet 154, MedGen C3150898, MONDO:0013339, OMIM 613642.

Submissions (3):

Labcorp Genetics (formerly Invitae), Labcorp
Classification: Likely pathogenic for Pheochromocytoma/paraganglioma syndrome 5; Mitochondrial complex II deficiency, nuclear type 1. Last evaluated: 2025-11-12. Review status: criteria provided, single submitter. Criteria: Invitae Variant Classification Sherloc (09022015). Collection method: clinical testing. Allele origin: germline.
Comment: This sequence change falls in intron 4 of the SDHA gene. It does not directly change the encoded amino acid sequence of the SDHA protein. RNA analysis indicates that this variant induces altered splicing and may result in an absent or altered protein product. Information on the frequency of this variant in the gnomAD database is not available, as this variant may be reported differently in the database. This variant has not been reported in the literature in individuals affected with SDHA-related conditions. ClinVar contains an entry for this variant (Variation ID: 853431). Variants that disrupt the consensus splice site are a relatively common cause of aberrant splicing (PMID: 17576681, 9536098). Studies have shown that this variant results in skipping of exon 4, and produces a non-functional protein and/or introduces a premature termination codon (internal data). In summary, the currently available evidence indicates that the variant is pathogenic, but additional data are needed to prove that conclusively. Therefore, this variant has been classified as Likely Pathogenic.

Ambry Genetics
Classification: Likely pathogenic for Hereditary cancer-predisposing syndrome. Last evaluated: 2025-07-24. Review status: criteria provided, single submitter. Criteria: Ambry Variant Classification Scheme 2023. Collection method: clinical testing. Allele origin: germline.
Comment: The c.456+3_456+4delGAinsCT intronic variant, located in intron 4 of the SDHA gene, results from the deletion of two nucleotides and the insertion of two nucleotides at nucleotide position 456+3_456+4 after coding exon 4. In silico splice site analysis predicts that this alteration will weaken the native splice donor site. RNA studies have demonstrated that this alteration results in abnormal splicing in the set of samples tested (Ambry internal data). This variant is considered to be rare based on population cohorts in the Genome Aggregation Database (gnomAD). Based on the majority of available evidence to date, this variant is likely to be pathogenic.

Baylor Genetics
Classification: Uncertain significance for Dilated cardiomyopathy 1GG. Last evaluated: 2023-12-21. Review status: criteria provided, single submitter. Criteria: ACMG Guidelines, 2015. Collection method: clinical testing. Allele origin: unknown.

Literature cited by the submitters: PubMed 17576681 (cited by Labcorp Genetics (formerly Invitae), Labcorp); PubMed 9536098 (cited by Labcorp Genetics (formerly Invitae), Labcorp).